The following is an entry in ClinVar:

NM_000393.5(COL5A2):c.3592C>T (p.Pro1198Ser)

Gene: COL5A2 (collagen type V alpha 2 chain; minus strand). Cytogenetic location: 2q32.2.
Variant type: single nucleotide variant.
Coding change: c.3592C>T on transcript NM_000393.5 (MANE Select); coding-DNA position 3592, C replaced by T.
Protein change: p.Pro1198Ser; replaces proline 1198 with serine.
Molecular consequence: missense variant.
Genome position (GRCh38, 1-based): chr2:189,041,627, G>A on the plus strand (C>T on the coding strand, the complement: COL5A2 is on the minus strand). VCF-style: chr2-189041627-G-A. GRCh37 (hg19) VCF-style: chr2-189906353-G-A.
Other names: short protein forms P1198S.
Identifiers: ClinVar variation 1732995 (VCV001732995.4), dbSNP rs1685564435, ClinGen allele CA349859742.

ClinVar aggregate classification (germline): Uncertain significance. Review status: criteria provided, multiple submitters, no conflicts (2 of 4 stars). 2 submissions from 2 submitters: Uncertain significance (2). Last evaluated 2024-10-28.

Conditions:
Familial thoracic aortic aneurysm and aortic dissection (TAAD). Also called: Thoracic aortic aneurysms and dissections. Identifiers: Orphanet 91387, MedGen C4707243, MONDO:0019625.
Ehlers-Danlos syndrome, classic type, 1 (EDSCL1). Also called: Ehlers-Danlos syndrome, type 1; Ehlers-Danlos Syndrome, Classic Type, COL5A1-Related; EDS I; EHLERS-DANLOS SYNDROME, GRAVIS TYPE; EHLERS-DANLOS SYNDROME, SEVERE CLASSIC TYPE. Identifiers: MedGen C0268335, MONDO:0019567, OMIM 130000.

Allele frequency attached by ClinVar (database versions not stated): gnomAD exomes below 0.00001.
gnomAD v4.1: 6 of 1,614,082 alleles (0.00037%); highest among the groups gnomAD compares: South Asian, 0.0044%; no homozygotes.

Submissions (2):

Labcorp Genetics (formerly Invitae), Labcorp
Classification: Uncertain significance for Ehlers-Danlos syndrome, classic type, 1. Last evaluated: 2024-10-28. Review status: criteria provided, single submitter. Criteria: Invitae Variant Classification Sherloc (09022015). Collection method: clinical testing. Allele origin: germline.
Comment: This sequence change replaces proline, which is neutral and non-polar, with serine, which is neutral and polar, at codon 1198 of the COL5A2 protein (p.Pro1198Ser). This variant is not present in population databases (gnomAD no frequency). This variant has not been reported in the literature in individuals affected with COL5A2-related conditions. ClinVar contains an entry for this variant (Variation ID: 1732995). Invitae Evidence Modeling of protein sequence and biophysical properties (such as structural, functional, and spatial information, amino acid conservation, physicochemical variation, residue mobility, and thermodynamic stability) indicates that this missense variant is not expected to disrupt COL5A2 protein function with a negative predictive value of 80%. In summary, the available evidence is currently insufficient to determine the role of this variant in disease. Therefore, it has been classified as a Variant of Uncertain Significance.

Ambry Genetics
Classification: Uncertain significance for Familial thoracic aortic aneurysm and aortic dissection. Last evaluated: 2018-09-25. Review status: criteria provided, single submitter. Criteria: Ambry Variant Classification Scheme 2023. Collection method: clinical testing. Allele origin: germline.
Comment: The p.P1198S variant (also known as c.3592C>T), located in coding exon 50 of the COL5A2 gene, results from a C to T substitution at nucleotide position 3592. The proline at codon 1198 is replaced by serine, an amino acid with similar properties. This amino acid position is highly conserved in available vertebrate species. In addition, the in silico prediction for this alteration is inconclusive. Since supporting evidence is limited at this time, the clinical significance of this alteration remains unclear.